The following is an entry in ClinVar:

ClinVar aggregate classification (germline): Conflicting classifications of pathogenicity. Review status: criteria provided, conflicting classifications (1 of 4 stars). 4 submissions from 4 submitters: Uncertain significance (3); Likely benign (1). Last evaluated 2026-01-13.

Conditions:
Cardiovascular phenotype. Identifiers: MedGen CN230736.

Allele frequency attached by ClinVar (database versions not stated): gnomAD exomes 0.00004.
gnomAD v4.1: 70 of 1,613,386 alleles (0.0043%); highest among the groups gnomAD compares: Non-Finnish European, 0.0053%; no homozygotes.

Submissions (4):

GeneDx
Classification: Uncertain significance. Last evaluated: 2026-01-13. Review status: criteria provided, single submitter. Criteria: GeneDx Variant Classification Process June 2021. Collection method: clinical testing. Allele origin: germline. Affected: yes.
Comment: Has not been previously published as pathogenic or benign to our knowledge; Not observed at significant frequency in large population cohorts (gnomAD); In silico analysis suggests that this missense variant does not alter protein structure/function

Women's Health and Genetics/Laboratory Corporation of America, LabCorp
Classification: Uncertain significance. Last evaluated: 2026-01-13. Review status: criteria provided, single submitter. Criteria: LabCorp Variant Classification Summary - May 2015. Collection method: clinical testing. Allele origin: germline.
Comment: Variant summary: TNXB c.8353G>A (p.Glu2785Lys) results in a conservative amino acid change in the encoded protein sequence. Algorithms developed to predict the effect of missense changes on protein structure and function all suggest that this variant is likely to be tolerated. The variant allele was found at a frequency of 1.2e-05 in 246972 control chromosomes. The available data on variant occurrences in the general population are insufficient to allow any conclusion about variant significance. To our knowledge, no occurrence of c.8353G>A in individuals affected with TNXB-related conditions and no experimental evidence demonstrating its impact on protein function have been reported. ClinVar contains an entry for this variant (Variation ID: 1198512). Based on the evidence outlined above, the variant was classified as uncertain significance.

Ambry Genetics
Classification: Likely benign for Cardiovascular phenotype. Last evaluated: 2024-05-23. Review status: criteria provided, single submitter. Criteria: Ambry Variant Classification Scheme 2023. Collection method: clinical testing. Allele origin: germline.

Mayo Clinic Laboratories, Mayo Clinic
Classification: Uncertain significance. Last evaluated: 2023-11-29. Review status: criteria provided, single submitter. Criteria: ACMG Guidelines, 2015. Collection method: clinical testing. Allele origin: germline. Observed: 1 variant allele.
Comment: BP4

NM_001365276.2(TNXB):c.8353G>A (p.Glu2785Lys)

Gene: TNXB (tenascin XB; minus strand). Cytogenetic location: 6p21.33.
Variant type: single nucleotide variant.
Coding change: c.8353G>A on transcript NM_001365276.2 (MANE Select); coding-DNA position 8353, G replaced by A.
Protein change: p.Glu2785Lys; replaces glutamic acid 2785 with lysine.
Molecular consequence: missense variant.
Genome position (GRCh38, 1-based): chr6:32,055,965, C>T on the plus strand (G>A on the coding strand, the complement: TNXB is on the minus strand). VCF-style: chr6-32055965-C-T. GRCh37 (hg19) VCF-style: chr6-32023742-C-T.
Other names: p.Glu2785Lys; c.8353G>A, p.Glu2785Lys (NM_019105.8); short protein forms E2785K.
Identifiers: ClinVar variation 1198512 (VCV001198512.9), dbSNP rs771584531, ClinGen allele CA136904792.
Genomic context (GRCh38, chr6:32,055,965, plus strand): 5'-ACAGGTGCATCTTGTATTTGCGCCCGGGCTCCAGGCCCCCCACGGTGACCTCGCTCTCCT[C>T]GCCCCTGACACGCATCACCTGGGGCCGCCCGTCCCTGTCCTTGTACTGCACGGTGAAGGA-3'
Protein context (NP_001352205.1, residues 2775-2795): GRPQVMRVRG[Glu2785Lys]ESEVTVGGLE